The following is an entry in ClinVar:

ClinVar aggregate classification (germline): Likely benign (1 of 4 stars; one submission).

Allele frequency attached by ClinVar (database versions not stated): 1000 Genomes Project 0.00080; 1000 Genomes Project 30x 0.00094; gnomAD 0.00101; ESP Exome Variant Server 0.00108; TOPMed 0.00108.
gnomAD v4.1: 1,717 of 1,605,798 alleles (0.11%); highest among the groups gnomAD compares: Middle Eastern, 1.6%; 7 homozygotes.

Submission:

CeGaT Center for Human Genetics Tuebingen
Classification: Likely benign. Last evaluated: 2023-11-01. Review status: criteria provided, single submitter. Criteria: CeGaT Center For Human Genetics Tuebingen Variant Classification Criteria Version 2. Collection method: clinical testing. Allele origin: germline. Affected: yes. Observed: 1 variant allele.
Comment: ANKS3: BP4

NM_133450.4(ANKS3):c.1010-6C>T

Gene: ANKS3 (ankyrin repeat and sterile alpha motif domain containing 3; minus strand). Cytogenetic location: 16p13.3.
Variant type: single nucleotide variant.
Coding change: c.1010-6C>T on transcript NM_133450.4 (MANE Select); 6 bases into the intron before coding-DNA position 1010, C replaced by T.
Molecular consequence: intron variant.
Genome position (GRCh38, 1-based): chr16:4,701,549, G>A on the plus strand (C>T on the coding strand, the complement: ANKS3 is on the minus strand). VCF-style: chr16-4701549-G-A. GRCh37 (hg19) VCF-style: chr16-4751550-G-A.
Other names: c.491-6C>T (NM_001324129.2); c.689-6C>T (NM_001242929.2); c.623-6C>T (NM_001308089.2); c.140-6C>T (NM_001324130.2).
Identifiers: ClinVar variation 2672614 (VCV002672614.23), dbSNP rs184951481, ClinGen allele CA7880034.